The following is an entry in ClinVar:

NM_024753.5(TTC21B):c.2729C>T (p.Ala910Val)

Gene: TTC21B (tetratricopeptide repeat domain 21B; minus strand). Cytogenetic location: 2q24.3.
Variant type: single nucleotide variant.
Coding change: c.2729C>T on transcript NM_024753.5 (MANE Select); coding-DNA position 2729, C replaced by T.
Protein change: p.Ala910Val; replaces alanine 910 with valine.
Molecular consequence: missense variant.
Genome position (GRCh38, 1-based): chr2:165,901,750, G>A on the plus strand (C>T on the coding strand, the complement: TTC21B is on the minus strand). VCF-style: chr2-165901750-G-A. GRCh37 (hg19) VCF-style: chr2-166758260-G-A.
Other names: short protein forms A910V.
Identifiers: ClinVar variation 4988192 (VCV004988192.1).

ClinVar aggregate classification (germline): Uncertain significance (1 of 4 stars; one submission).

Conditions:
TTC21B-related disorder. Also called: TTC21B-related disorders; TTC21B-related condition.

gnomAD v4.1: 13 of 1,614,078 alleles (0.00081%); highest among the groups gnomAD compares: Middle Eastern, 0.016%; no homozygotes.

Submission:

PreventionGenetics, part of Exact Sciences
Classification: Uncertain significance for TTC21B-related condition. Last evaluated: 2026-06-15. Review status: criteria provided, single submitter. Criteria: ACMG Guidelines, 2015. Collection method: clinical testing. Allele origin: germline.
Comment: The TTC21B c.2729C>T variant is predicted to result in the amino acid substitution p.Ala910Val. To our knowledge, this variant has not been reported in the literature. This variant is reported in 0.0065% of alleles in individuals of South Asian descent in gnomAD. At this time, the clinical significance of this variant is uncertain due to the absence of conclusive functional and genetic evidence.